The following is an entry in ClinVar:

ClinVar aggregate classification (germline): Likely benign (1 of 4 stars; one submission).

Conditions:
SCLT1-related disorder. Also called: SCLT1-related condition.

Submission:

PreventionGenetics, part of Exact Sciences
Classification: Likely benign for SCLT1-related condition. Last evaluated: 2025-01-25. Review status: criteria provided, single submitter. Criteria: ACMG Guidelines, 2015. Collection method: clinical testing. Allele origin: germline.
Comment: This variant is classified as likely benign based on ACMG/AMP sequence variant interpretation guidelines (Richards et al. 2015 PMID: 25741868, with internal and published modifications).

NM_144643.4(SCLT1):c.1830-9del

Gene: SCLT1 (sodium channel and clathrin linker 1; minus strand). Cytogenetic location: 4q28.2.
Variant type: Deletion.
Coding change: c.1830-9del on transcript NM_144643.4 (MANE Select); 9 bases into the intron before coding-DNA position 1830, one base deleted (T; older notation c.1830-9delT).
Molecular consequence: intron variant.
Genome position (GRCh38, 1-based): chr4:128,891,146, A deleted on the plus strand (T on the coding strand, the reverse complement: SCLT1 is on the minus strand). VCF-style (leftmost placement, unchanged base first): chr4-128891145-GA-G. GRCh37 (hg19) VCF-style: chr4-129812300-GA-G.
Identifiers: ClinVar variation 4998351 (VCV004998351.1).